The following is an entry in ClinVar:

ClinVar aggregate classification (germline): Uncertain significance. Review status: criteria provided, multiple submitters, no conflicts (2 of 4 stars). 2 submissions from 2 submitters: Uncertain significance (2). Last evaluated 2021-08-27.

Conditions:
Autosomal recessive severe congenital neutropenia due to G6PC3 deficiency. Also called: NEUTROPENIA, SEVERE CONGENITAL, 4, AUTOSOMAL RECESSIVE; G6PC3 Deficiency. Identifiers: Orphanet 331176, MedGen C2751630, MONDO:0012930, OMIM 612541.

Allele frequency attached by ClinVar (database versions not stated): gnomAD 0.00001; gnomAD exomes 0.00001 and 0.00003; TOPMed 0.00002.
gnomAD v4.1: 38 of 1,613,350 alleles (0.0024%); highest among the groups gnomAD compares: Non-Finnish European, 0.0031%; no homozygotes.

Submissions (2):

Labcorp Genetics (formerly Invitae), Labcorp
Classification: Uncertain significance for Autosomal recessive severe congenital neutropenia due to G6PC3 deficiency. Last evaluated: 2021-08-27. Review status: criteria provided, single submitter. Criteria: Invitae Variant Classification Sherloc (09022015). Collection method: clinical testing. Allele origin: germline.
Comment: This sequence change replaces phenylalanine with leucine at codon 100 of the G6PC3 protein (p.Phe100Leu). The phenylalanine residue is highly conserved and there is a small physicochemical difference between phenylalanine and leucine. This variant is not present in population databases (ExAC no frequency). This variant has not been reported in the literature in individuals affected with G6PC3-related conditions. Algorithms developed to predict the effect of missense changes on protein structure and function are either unavailable or do not agree on the potential impact of this missense change (SIFT: "Tolerated"; PolyPhen-2: "Possibly Damaging"; Align-GVGD: "Class C0"). In summary, the available evidence is currently insufficient to determine the role of this variant in disease. Therefore, it has been classified as a Variant of Uncertain Significance.

Blueprint Genetics
Classification: Uncertain significance. Last evaluated: 2021-08-05. Review status: criteria provided, single submitter. Criteria: ACMG Guidelines, 2015. Collection method: clinical testing. Allele origin: germline.

NM_138387.4(G6PC3):c.300C>A (p.Phe100Leu)

Gene: G6PC3 (glucose-6-phosphatase catalytic subunit 3; plus strand). Cytogenetic location: 17q21.31.
Variant type: single nucleotide variant.
Coding change: c.300C>A on transcript NM_138387.4 (MANE Select); coding-DNA position 300, C replaced by A.
Protein change: p.Phe100Leu; replaces phenylalanine 100 with leucine.
Molecular consequence: missense variant. On other transcripts: 5 prime UTR variant (4).
Genome position (GRCh38, 1-based): chr17:44,074,241, C>A. VCF-style: chr17-44074241-C-A. GRCh37 (hg19) VCF-style: chr17-42151609-C-A.
Other names: c.300C>A, p.Phe100Leu (NM_001319945.2); c.-46C>A (NM_001384165.1, NM_001384166.1, NM_001384167.1 and 1 more transcripts); short protein forms F100L.
Identifiers: ClinVar variation 1384667 (VCV001384667.6), dbSNP rs1336165706, ClinGen allele CA399725905.